The following is an entry in ClinVar:

ClinVar aggregate classification (germline): Uncertain significance (1 of 4 stars; one submission).

Submission:

Labcorp Genetics (formerly Invitae), Labcorp
Classification: Uncertain significance. Last evaluated: 2021-09-14. Review status: criteria provided, single submitter. Criteria: Invitae Variant Classification Sherloc (09022015). Collection method: clinical testing. Allele origin: germline.
Comment: In summary, the available evidence is currently insufficient to determine the role of this variant in disease. Therefore, it has been classified as a Variant of Uncertain Significance. Experimental studies and prediction algorithms are not available or were not evaluated, and the functional significance of this variant is currently unknown. This variant has not been reported in the literature in individuals affected with MYLK3-related conditions. This variant results in a copy number gain of the genomic region encompassing exon(s) 1-9 of the MYLK3 gene. This region includes the initiator codon of the gene. This copy number gain extends beyond the assayed region for this gene and therefore may encompass additional genes. As the precise location of this event is unknown, it may be in tandem or it may be located elsewhere in the genome.

NC_000016.9:g.(?_46755015)_(46782105_?)dup

Gene: MYLK3 (myosin light chain kinase 3; minus strand). Cytogenetic location: 16q11.2.
Variant type: Duplication.
Identifiers: ClinVar variation 1440736 (VCV001440736.4).